The following is an entry in ClinVar:

NM_001144952.2(SDK2):c.5997C>T (p.Ser1999=)

Gene: SDK2 (sidekick cell adhesion molecule 2; minus strand). Cytogenetic location: 17q25.1.
Variant type: single nucleotide variant.
Coding change: c.5997C>T on transcript NM_001144952.2 (MANE Select); coding-DNA position 5997, C replaced by T.
Protein change: p.Ser1999=; no amino-acid change (serine 1999 retained).
Molecular consequence: synonymous variant.
Genome position (GRCh38, 1-based): chr17:73,350,278, G>A on the plus strand (C>T on the coding strand, the complement: SDK2 is on the minus strand). VCF-style: chr17-73350278-G-A. GRCh37 (hg19) VCF-style: chr17-71346417-G-A.
Identifiers: ClinVar variation 2648179 (VCV002648179.24), dbSNP rs138003419, ClinGen allele CA8742172.

ClinVar aggregate classification (germline): Likely benign (1 of 4 stars; one submission).

Allele frequency attached by ClinVar (database versions not stated): ExAC 0.00004; gnomAD 0.00004; gnomAD exomes 0.00004; TOPMed 0.00004; ESP Exome Variant Server 0.00015.
gnomAD v4.1: 67 of 1,599,448 alleles (0.0042%); highest among the groups gnomAD compares: Middle Eastern, 0.066%; no homozygotes.

Submission:

CeGaT Center for Human Genetics Tuebingen
Classification: Likely benign. Last evaluated: 2022-04-01. Review status: criteria provided, single submitter. Criteria: CeGaT Center For Human Genetics Tuebingen Variant Classification Criteria Version 2. Collection method: clinical testing. Allele origin: germline. Affected: yes. Observed: 1 variant allele.
Comment: SDK2: BP4, BP7